The following is an entry in ClinVar:

NM_000018.4(ACADVL):c.1009_1011del (p.Leu337del)

Gene: ACADVL (acyl-CoA dehydrogenase very long chain; plus strand). Cytogenetic location: 17p13.1.
Variant type: Deletion.
Coding change: c.1009_1011del on transcript NM_000018.4 (MANE Select); coding-DNA positions 1009 to 1011, 3 bases deleted (CTC; older notation c.1009_1011delCTC).
Protein change: p.Leu337del; deletes leucine 337.
Molecular consequence: inframe deletion.
Genome position (GRCh38, 1-based): chr17:7,222,797-7,222,799, CTC deleted; deleting any 3 consecutive bases within chr17:7,222,795-7,222,799 gives the same sequence; the c. name uses the placement nearest the transcript's 3' end. VCF-style (leftmost placement, unchanged base first): chr17-7222794-ATCC-A. GRCh37 (hg19) VCF-style: chr17-7126113-ATCC-A.
Other names: c.943_945del, p.Leu315del (NM_001033859.3); c.1078_1080del, p.Leu360del (NM_001270447.2); c.781_783del, p.Leu261del (NM_001270448.2); short protein forms L337del, L315del, L360del, L261del.
Identifiers: ClinVar variation 558408 (VCV000558408.7), dbSNP rs1315330884, ClinGen allele CA624861281.

ClinVar aggregate classification (germline): Uncertain significance. Review status: criteria provided, single submitter (1 of 4 stars). 2 submissions from 2 submitters: Uncertain significance (1). 1 of the submissions does not count toward it. Last evaluated 2022-02-25.

Conditions:
Very long chain acyl-CoA dehydrogenase deficiency (ACADVLD). Also called: VLCAD Deficiency; Very Long-Chain Acyl-Coenzyme A Dehydrogenase Deficiency. Identifiers: Orphanet 26793, MedGen C3887523, MONDO:0008723, OMIM 201475.

Submissions (2):

Labcorp Genetics (formerly Invitae), Labcorp
Classification: Uncertain significance for Very long chain acyl-CoA dehydrogenase deficiency. Last evaluated: 2022-02-25. Review status: criteria provided, single submitter. Criteria: Invitae Variant Classification Sherloc (09022015). Collection method: clinical testing. Allele origin: germline.
Comment: This variant, c.1009_1011del, results in the deletion of 1 amino acid(s) of the ACADVL protein (p.Leu337del), but otherwise preserves the integrity of the reading frame. This variant is not present in population databases (gnomAD no frequency). This variant has not been reported in the literature in individuals affected with ACADVL-related conditions. ClinVar contains an entry for this variant (Variation ID: 558408). Experimental studies and prediction algorithms are not available or were not evaluated, and the functional significance of this variant is currently unknown. In summary, the available evidence is currently insufficient to determine the role of this variant in disease. Therefore, it has been classified as a Variant of Uncertain Significance.

Counsyl
Classification: Uncertain significance for Very long chain acyl-CoA dehydrogenase deficiency. Last evaluated: 2018-05-18. Review status: no assertion criteria provided. Collection method: clinical testing. Allele origin: unknown. Not counted in ClinVar's aggregate classification.